The following is an entry in ClinVar:

ClinVar aggregate classification (germline): Uncertain significance. Review status: criteria provided, multiple submitters, no conflicts (2 of 4 stars). 2 submissions from 2 submitters: Uncertain significance (2). Last evaluated 2024-09-30.

Conditions:
Hereditary cancer-predisposing syndrome. Also called: Tumor predisposition; Hereditary Cancer Syndrome; Neoplastic Syndromes, Hereditary; Hereditary neoplastic syndrome. Identifiers: Orphanet 140162, MedGen C0027672, MeSH D009386, MONDO:0015356.
Ataxia-telangiectasia syndrome (AT). Also called: Cerebello-oculocutaneous telangiectasia; Immunodeficiency with ataxia telangiectasia; Ataxia-telangiectasia, complementation group D; AT, COMPLEMENTATION GROUP C; Ataxia-telangiectasia, complementation group E; LOUIS-BAR SYNDROME. Identifiers: Orphanet 100, MedGen C0004135, MONDO:0008840, OMIM 208900.

Allele frequency attached by ClinVar (database versions not stated): gnomAD exomes below 0.00001.
gnomAD v4.1: 1 of 1,612,778 alleles (0.000062%); highest among the groups gnomAD compares: Non-Finnish European, 0.000085%; no homozygotes.

Submissions (2):

Labcorp Genetics (formerly Invitae), Labcorp
Classification: Uncertain significance for Ataxia-telangiectasia syndrome. Last evaluated: 2024-09-30. Review status: criteria provided, single submitter. Criteria: Invitae Variant Classification Sherloc (09022015). Collection method: clinical testing. Allele origin: germline.
Comment: This sequence change replaces serine, which is neutral and polar, with cysteine, which is neutral and slightly polar, at codon 1104 of the ATM protein (p.Ser1104Cys). This variant is not present in population databases (gnomAD no frequency). This variant has not been reported in the literature in individuals affected with ATM-related conditions. ClinVar contains an entry for this variant (Variation ID: 453462). An algorithm developed to predict the effect of missense changes on protein structure and function outputs the following: PolyPhen-2: "Benign". The cysteine amino acid residue is found in multiple mammalian species, which suggests that this missense change does not adversely affect protein function. In summary, the available evidence is currently insufficient to determine the role of this variant in disease. Therefore, it has been classified as a Variant of Uncertain Significance.

Ambry Genetics
Classification: Uncertain significance for Hereditary cancer-predisposing syndrome. Last evaluated: 2024-03-12. Review status: criteria provided, single submitter. Criteria: Ambry Variant Classification Scheme 2023. Collection method: clinical testing. Allele origin: germline.
Comment: The p.S1104C variant (also known as c.3311C>G), located in coding exon 22 of the ATM gene, results from a C to G substitution at nucleotide position 3311. The serine at codon 1104 is replaced by cysteine, an amino acid with dissimilar properties. This variant was not reported in population based cohorts in the following databases: Database of Single Nucleotide Polymorphisms (dbSNP), NHLBI Exome Sequencing Project (ESP), and 1000 Genomes Project. In the ESP, this variant was not observed in 6498 samples (12996 alleles) with coverage at this position. To date, this alteration has been detected with an allele frequency of approximately 0.001% (greater than 180000 alleles tested) in our clinical cohort. This amino acid position is not well conserved in available vertebrate species. In addition, this alteration is predicted to be tolerated by in silico analysis. Since supporting evidence is limited at this time, the clinical significance of this alteration remains unclear.

NM_000051.4(ATM):c.3311C>G (p.Ser1104Cys)

Gene: ATM (ATM serine/threonine kinase; plus strand). Cytogenetic location: 11q22.3.
Variant type: single nucleotide variant.
Coding change: c.3311C>G on transcript NM_000051.4 (MANE Select); coding-DNA position 3311, C replaced by G.
Protein change: p.Ser1104Cys; replaces serine 1104 with cysteine.
Molecular consequence: missense variant.
Genome position (GRCh38, 1-based): chr11:108,279,517, C>G. VCF-style: chr11-108279517-C-G. GRCh37 (hg19) VCF-style: chr11-108150244-C-G.
Other names: c.3311C>G, p.Ser1104Cys (NM_001351834.2); short protein forms S1104C.
Identifiers: ClinVar variation 453462 (VCV000453462.11), dbSNP rs1555090126, ClinGen allele CA382517422.